The following is an entry in ClinVar:

NM_005502.4(ABCA1):c.776A>G (p.Lys259Arg)

Gene: ABCA1 (ATP binding cassette subfamily A member 1; minus strand). Cytogenetic location: 9q31.1.
Variant type: single nucleotide variant.
Coding change: c.776A>G on transcript NM_005502.4 (MANE Select); coding-DNA position 776, A replaced by G.
Protein change: p.Lys259Arg; replaces lysine 259 with arginine.
Molecular consequence: missense variant.
Genome position (GRCh38, 1-based): chr9:104,845,514, T>C on the plus strand (A>G on the coding strand, the complement: ABCA1 is on the minus strand). VCF-style: chr9-104845514-T-C. GRCh37 (hg19) VCF-style: chr9-107607795-T-C.
Other names: short protein forms K259R.
Identifiers: ClinVar variation 4235866 (VCV004235866.1).

ClinVar aggregate classification (germline): Uncertain significance (1 of 4 stars; one submission).

Conditions:
Cardiovascular phenotype. Identifiers: MedGen CN230736.

Submission:

Ambry Genetics
Classification: Uncertain significance for Cardiovascular phenotype. Last evaluated: 2025-08-09. Review status: criteria provided, single submitter. Criteria: Ambry Variant Classification Scheme 2023. Collection method: clinical testing. Allele origin: germline.
Comment: The p.K259R variant (also known as c.776A>G), located in coding exon 7 of the ABCA1 gene, results from an A to G substitution at nucleotide position 776. The lysine at codon 259 is replaced by arginine, an amino acid with highly similar properties. This amino acid position is conserved. In addition, this alteration is predicted to be tolerated by in silico analysis. Based on the available evidence, the clinical significance of this variant remains unclear.